The following is an entry in ClinVar:

NM_032043.3(BRIP1):c.1341-12A>G

Gene: BRIP1 (BRCA1 interacting DNA helicase 1; minus strand). Cytogenetic location: 17q23.2.
Variant type: single nucleotide variant.
Coding change: c.1341-12A>G on transcript NM_032043.3 (MANE Select); 12 bases into the intron before coding-DNA position 1341, A replaced by G.
Molecular consequence: intron variant.
Genome position (GRCh38, 1-based): chr17:61,793,741, T>C on the plus strand (A>G on the coding strand, the complement: BRIP1 is on the minus strand). VCF-style: chr17-61793741-T-C. GRCh37 (hg19) VCF-style: chr17-59871102-T-C.
Identifiers: ClinVar variation 1584899 (VCV001584899.12), dbSNP rs1441257544, ClinGen allele CA626807185.

ClinVar aggregate classification (germline): Likely benign. Review status: criteria provided, multiple submitters, no conflicts (2 of 4 stars). 3 submissions from 3 submitters: Likely benign (3). Last evaluated 2025-03-04.

Conditions:
Hereditary cancer-predisposing syndrome. Also called: Neoplastic Syndromes, Hereditary; Hereditary neoplastic syndrome; Hereditary Cancer Syndrome; Tumor predisposition. Identifiers: Orphanet 140162, MedGen C0027672, MeSH D009386, MONDO:0015356.
Familial cancer of breast. Also called: BREAST CANCER, FAMILIAL; Hereditary breast cancer; hereditary breast carcinoma. Identifiers: Orphanet 227535, MedGen C0346153, MONDO:0016419, OMIM 114480. Disease mechanism: loss of function.
Fanconi anemia complementation group J. Also called: BRIP1-Related Fanconi Anemia. Identifiers: Orphanet 84, MedGen C1836860, MONDO:0012187, OMIM 609054.

Allele frequency attached by ClinVar (database versions not stated): gnomAD exomes below 0.00001 and 0.00002; gnomAD 0.00001; TOPMed 0.00001.
gnomAD v4.1: 27 of 1,606,780 alleles (0.0017%); highest among the groups gnomAD compares: Non-Finnish European, 0.0023%; no homozygotes.

Submissions (3):

Labcorp Genetics (formerly Invitae), Labcorp
Classification: Likely benign for Familial cancer of breast; Fanconi anemia complementation group J. Last evaluated: 2025-03-04. Review status: criteria provided, single submitter. Criteria: Invitae Variant Classification Sherloc (09022015). Collection method: clinical testing. Allele origin: germline.

Myriad Genetics, Inc.
Classification: Likely benign for Familial cancer of breast. Last evaluated: 2024-08-27. Review status: criteria provided, single submitter. Criteria: Myriad Autosomal Dominant, Autosomal Recessive and X-Linked Classification Criteria (2023). Collection method: clinical testing. Allele origin: unknown.
Comment: This variant is considered likely benign. This variant is intronic and is not expected to impact mRNA splicing.

Color Diagnostics, LLC DBA Color Health
Classification: Likely benign for Hereditary cancer-predisposing syndrome. Last evaluated: 2023-02-16. Review status: criteria provided, single submitter. Criteria: ACMG Guidelines, 2015. Collection method: clinical testing. Allele origin: germline.